The following is an entry in ClinVar:

NM_001330700.2(TOP2B):c.4648T>C (p.Ser1550Pro)

Gene: TOP2B (DNA topoisomerase II beta; minus strand). Cytogenetic location: 3p24.2.
Variant type: single nucleotide variant.
Coding change: c.4648T>C on transcript NM_001330700.2 (MANE Select); coding-DNA position 4648, T replaced by C.
Protein change: p.Ser1550Pro; replaces serine 1550 with proline.
Molecular consequence: missense variant.
Genome position (GRCh38, 1-based): chr3:25,599,497, A>G on the plus strand (T>C on the coding strand, the complement: TOP2B is on the minus strand). VCF-style: chr3-25599497-A-G. GRCh37 (hg19) VCF-style: chr3-25640988-A-G.
Other names: c.4633T>C, p.Ser1545Pro (NM_001068.3); short protein forms S1545P, S1550P.
Identifiers: ClinVar variation 3686577 (VCV003686577.2).

ClinVar aggregate classification (germline): Uncertain significance (1 of 4 stars; one submission).

Submission:

Labcorp Genetics (formerly Invitae), Labcorp
Classification: Uncertain significance. Last evaluated: 2024-10-18. Review status: criteria provided, single submitter. Criteria: Invitae Variant Classification Sherloc (09022015). Collection method: clinical testing. Allele origin: germline.
Comment: This sequence change replaces serine, which is neutral and polar, with proline, which is neutral and non-polar, at codon 1545 of the TOP2B protein (p.Ser1545Pro). This variant is not present in population databases (gnomAD no frequency). This variant has not been reported in the literature in individuals affected with TOP2B-related conditions. An algorithm developed to predict the effect of missense changes on protein structure and function (PolyPhen-2) suggests that this variant is likely to be tolerated. In summary, the available evidence is currently insufficient to determine the role of this variant in disease. Therefore, it has been classified as a Variant of Uncertain Significance.